The following is an entry in ClinVar:

NM_001009944.3(PKD1):c.3980A>T (p.Asp1327Val)

Gene: PKD1 (polycystin 1, transient receptor potential channel interacting; minus strand). Cytogenetic location: 16p13.3.
Variant type: single nucleotide variant.
Coding change: c.3980A>T on transcript NM_001009944.3 (MANE Select); coding-DNA position 3980, A replaced by T.
Protein change: p.Asp1327Val; replaces aspartic acid 1327 with valine.
Molecular consequence: missense variant.
Genome position (GRCh38, 1-based): chr16:2,111,187, T>A on the plus strand (A>T on the coding strand, the complement: PKD1 is on the minus strand). VCF-style: chr16-2111187-T-A. GRCh37 (hg19) VCF-style: chr16-2161188-T-A.
Other names: c.3980A>T, p.Asp1327Val (NM_000296.4); short protein forms D1327V.
Identifiers: ClinVar variation 4989366 (VCV004989366.1).

ClinVar aggregate classification (germline): Uncertain significance (1 of 4 stars; one submission).

Conditions:
PKD1-related disorder. Also called: PKD1-related condition.

Submission:

PreventionGenetics, part of Exact Sciences
Classification: Uncertain significance for PKD1-related condition. Last evaluated: 2026-05-11. Review status: criteria provided, single submitter. Criteria: ACMG Guidelines, 2015. Collection method: clinical testing. Allele origin: germline.
Comment: The PKD1 c.3980A>T variant is predicted to result in the amino acid substitution p.Asp1327Val. To our knowledge, this variant has not been reported in the literature. This variant is reported in 0.0027% of alleles in individuals of European (Non-Finnish) descent in gnomAD. At this time, the clinical significance of this variant is uncertain due to the absence of conclusive functional and genetic evidence.